The following is an entry in ClinVar:

ClinVar aggregate classification (germline): Uncertain significance. Review status: criteria provided, multiple submitters, no conflicts (2 of 4 stars). 2 submissions from 2 submitters: Uncertain significance (2). Last evaluated 2025-02-10.

Conditions:
MEGF10-related myopathy (CMYO10A). Also called: Congenital myopathy 10A, severe variant. Identifiers: Orphanet 439212, MedGen C3280679, MONDO:0013731, OMIM 614399.

Allele frequency attached by ClinVar (database versions not stated): gnomAD exomes 0.00001; ExAC 0.00002.
gnomAD v4.1: 6 of 1,592,716 alleles (0.00038%); highest among the groups gnomAD compares: South Asian, 0.0057%; no homozygotes.

Submissions (2):

Revvity Omics, Revvity
Classification: Uncertain significance. Last evaluated: 2025-02-10. Review status: criteria provided, single submitter. Criteria: ACMG Guidelines, 2015. Collection method: clinical testing. Allele origin: germline.

Labcorp Genetics (formerly Invitae), Labcorp
Classification: Uncertain significance for MEGF10-related myopathy. Last evaluated: 2022-02-06. Review status: criteria provided, single submitter. Criteria: Invitae Variant Classification Sherloc (09022015). Collection method: clinical testing. Allele origin: germline.
Comment: In summary, the available evidence is currently insufficient to determine the role of this variant in disease. Therefore, it has been classified as a Variant of Uncertain Significance. Algorithms developed to predict the effect of missense changes on protein structure and function are either unavailable or do not agree on the potential impact of this missense change (SIFT: "Deleterious"; PolyPhen-2: "Benign"; Align-GVGD: "Class C45"). ClinVar contains an entry for this variant (Variation ID: 1020045). This variant has not been reported in the literature in individuals affected with MEGF10-related conditions. This variant is present in population databases (rs762474220, gnomAD 0.01%). This sequence change replaces serine, which is neutral and polar, with asparagine, which is neutral and polar, at codon 150 of the MEGF10 protein (p.Ser150Asn).

NM_001256545.2(MEGF10):c.449G>A (p.Ser150Asn)

Gene: MEGF10 (multiple EGF like domains 10; plus strand). Cytogenetic location: 5q23.2.
Variant type: single nucleotide variant.
Coding change: c.449G>A on transcript NM_001256545.2 (MANE Select); coding-DNA position 449, G replaced by A.
Protein change: p.Ser150Asn; replaces serine 150 with asparagine.
Molecular consequence: missense variant.
Genome position (GRCh38, 1-based): chr5:127,396,568, G>A. VCF-style: chr5-127396568-G-A. GRCh37 (hg19) VCF-style: chr5-126732260-G-A.
Other names: c.449G>A, p.Ser150Asn (NM_001308119.2, NM_001308121.2, NM_032446.3); short protein forms S150N.
Identifiers: ClinVar variation 1020045 (VCV001020045.10), dbSNP rs762474220, ClinGen allele CA3391298.
Genomic context (GRCh38, chr5:127,396,568, plus strand): 5'-CACTGTTTCTCTCCTCAATCTCAGCCTGCGATGGTGATCACTGGGGTCCCCACTGCACCA[G>A]CCGGTGCCAGTGCAAAAATGGGGCTCTGTGCAACCCCATCACCGGGGCTTGCCACTGTGC-3'
Protein context (NP_001243474.1, residues 140-160): DGDHWGPHCT[Ser150Asn]RCQCKNGALC